The following is an entry in ClinVar:

NM_007078.3(LDB3):c.560C>T (p.Pro187Leu)

Gene: LDB3 (LIM domain binding 3; plus strand). Cytogenetic location: 10q23.2.
Variant type: single nucleotide variant.
Coding change: c.560C>T on transcript NM_007078.3 (MANE Select); coding-DNA position 560, C replaced by T.
Protein change: p.Pro187Leu; replaces proline 187 with leucine.
Molecular consequence: missense variant. On other transcripts: intron variant (5).
Genome position (GRCh38, 1-based): chr10:86,681,674, C>T. VCF-style: chr10-86681674-C-T. GRCh37 (hg19) VCF-style: chr10-88441431-C-T.
Other names: c.560C>T (NM_007078.2); c.560C>T, p.Pro187Leu (NM_001080115.2, NM_001171610.2, NM_001171611.2 and 3 more transcripts); c.321+1517C>T (NM_001368068.1, NM_001368066.1, NM_001080114.2 and 2 more transcripts); short protein forms P187L.
Identifiers: ClinVar variation 464273 (VCV000464273.15), dbSNP rs149218167, ClinGen allele CA5584737.

ClinVar aggregate classification (germline): Benign/Likely benign. Review status: criteria provided, multiple submitters, no conflicts (2 of 4 stars). 4 submissions from 4 submitters: Benign (1); Likely benign (3). Last evaluated 2025-05-30.

Conditions:
Myofibrillar myopathy 4. Also called: Zaspopathy (type). Identifiers: Orphanet 98912, MedGen C4721886, MONDO:0012277, OMIM 609452.
Cardiovascular phenotype. Identifiers: MedGen CN230736.

Allele frequency attached by ClinVar (database versions not stated): gnomAD 0.00001 and 0.00005; TOPMed 0.00003; 1000 Genomes Project 30x 0.00047; 1000 Genomes Project 0.00060.
gnomAD v4.1: 124 of 1,613,360 alleles (0.0077%); highest among the groups gnomAD compares: East Asian, 0.17%; no homozygotes.

Submissions (4):

Labcorp Genetics (formerly Invitae), Labcorp
Classification: Benign for Myofibrillar myopathy 4. Last evaluated: 2025-05-30. Review status: criteria provided, single submitter. Criteria: Invitae Variant Classification Sherloc (09022015). Collection method: clinical testing. Allele origin: germline.

Women's Health and Genetics/Laboratory Corporation of America, LabCorp
Classification: Likely benign. Last evaluated: 2025-02-14. Review status: criteria provided, single submitter. Criteria: LabCorp Variant Classification Summary - May 2015. Collection method: clinical testing. Allele origin: germline.
Comment: Variant summary: LDB3 c.560C>T (p.Pro187Leu) results in a non-conservative amino acid change in the encoded protein sequence. Four of five in-silico tools predict a benign effect of the variant on protein function. The variant allele was found at a frequency of 0.00012 in 249554 control chromosomes. The observed variant frequency is approximately 2 fold of the estimated maximal expected allele frequency for a pathogenic variant in LDB3 causing Hypertrophic Cardiomyopathy phenotype (7.5e-05). To our knowledge, no occurrence of c.560C>T in individuals affected with Hypertrophic Cardiomyopathy and no experimental evidence demonstrating its impact on protein function have been reported. ClinVar contains an entry for this variant (Variation ID: 464273). Based on the evidence outlined above, the variant was classified as likely benign.

Blueprint Genetics
Classification: Likely benign. Last evaluated: 2024-07-15. Review status: criteria provided, single submitter. Criteria: ACMG Guidelines, 2015. Collection method: clinical testing. Allele origin: germline.

Ambry Genetics
Classification: Likely benign for Cardiovascular phenotype. Last evaluated: 2023-10-27. Review status: criteria provided, single submitter. Criteria: Ambry Variant Classification Scheme 2023. Collection method: clinical testing. Allele origin: germline.